The following is an entry in ClinVar:

NM_182760.4(SUMF1):c.245G>A (p.Gly82Glu)

Genes: SUMF1 (sulfatase modifying factor 1; minus strand), LOC129936056 (ATAC-STARR-seq lymphoblastoid silent region 14016; plus strand). Cytogenetic location: 3p26.1.
Variant type: single nucleotide variant.
Coding change: c.245G>A on transcript NM_182760.4 (MANE Select); coding-DNA position 245, G replaced by A.
Protein change: p.Gly82Glu; replaces glycine 82 with glutamic acid.
Molecular consequence: missense variant.
Genome position (GRCh38, 1-based): chr3:4,467,001, C>T on the plus strand (G>A on the coding strand, the complement: SUMF1 is on the minus strand). VCF-style: chr3-4467001-C-T. GRCh37 (hg19) VCF-style: chr3-4508685-C-T.
Other names: c.245G>A, p.Gly82Glu (NM_001164674.2, NM_001164675.2); short protein forms G82E.
Identifiers: ClinVar variation 2165879 (VCV002165879.1), dbSNP rs773611722, ClinGen allele CA2230676.

ClinVar aggregate classification (germline): Uncertain significance (1 of 4 stars; one submission).

Conditions:
Multiple sulfatase deficiency (MSD). Also called: Multiple Sulfatase Deficiency Disease; Sulfatidosis, Juvenile, Austin Type; Mucosulfatidosis. Identifiers: Orphanet 585, MedGen C0268263, MONDO:0010088, OMIM 272200.

Allele frequency attached by ClinVar (database versions not stated): gnomAD exomes 0.00001; ExAC 0.00002; gnomAD 0.00003; TOPMed 0.00003.

Submission:

Labcorp Genetics (formerly Invitae), Labcorp
Classification: Uncertain significance for Multiple sulfatase deficiency. Last evaluated: 2022-01-11. Review status: criteria provided, single submitter. Criteria: Invitae Variant Classification Sherloc (09022015). Collection method: clinical testing. Allele origin: germline.
Comment: This sequence change replaces glycine, which is neutral and non-polar, with glutamic acid, which is acidic and polar, at codon 82 of the SUMF1 protein (p.Gly82Glu). The frequency data for this variant in the population databases is considered unreliable, as metrics indicate poor data quality at this position in the gnomAD database. This variant has not been reported in the literature in individuals affected with SUMF1-related conditions. Algorithms developed to predict the effect of missense changes on protein structure and function output the following: SIFT: "Deleterious"; PolyPhen-2: "Benign"; Align-GVGD: "Class C0". The glutamic acid amino acid residue is found in multiple mammalian species, which suggests that this missense change does not adversely affect protein function. In summary, the available evidence is currently insufficient to determine the role of this variant in disease. Therefore, it has been classified as a Variant of Uncertain Significance.